The following is an entry in ClinVar:

NM_000179.3(MSH6):c.3203G>A (p.Arg1068Gln)

Gene: MSH6 (mutS homolog 6; plus strand). Cytogenetic location: 2p16.3.
Variant type: single nucleotide variant.
Coding change: c.3203G>A on transcript NM_000179.3 (MANE Select); coding-DNA position 3203, G replaced by A.
Protein change: p.Arg1068Gln; replaces arginine 1068 with glutamine.
Molecular consequence: missense variant.
Genome position (GRCh38, 1-based): chr2:47,803,450, G>A. VCF-style: chr2-47803450-G-A. GRCh37 (hg19) VCF-style: chr2-48030589-G-A.
Other names: c.2813G>A, p.Arg938Gln (NM_001281492.2); c.2297G>A, p.Arg766Gln (NM_001281493.2, NM_001281494.2); short protein forms R766Q, R938Q.
Identifiers: ClinVar variation 92576 (VCV000092576.63), dbSNP rs398123230, ClinGen allele CA011934.

ClinVar aggregate classification (germline): Conflicting classifications of pathogenicity. Review status: criteria provided, conflicting classifications (1 of 4 stars). 18 submissions from 18 submitters: Uncertain significance (8); Benign (1); Likely benign (8). 1 of the submissions does not count toward it. Last evaluated 2026-04-28.

Conditions:
MSH6-related disorder. Also called: MSH6-Related disorders; MSH6-related condition.
Hereditary nonpolyposis colorectal neoplasms. Identifiers: MedGen C0009405, MeSH D003123.
Hereditary cancer-predisposing syndrome. Also called: Tumor predisposition; Neoplastic Syndromes, Hereditary; Hereditary neoplastic syndrome; Hereditary Cancer Syndrome. Identifiers: Orphanet 140162, MedGen C0027672, MeSH D009386, MONDO:0015356.
Inherited prostate cancer.
Lynch syndrome. Identifiers: Orphanet 144, MedGen C4552100, MONDO:0005835. Disease mechanism: loss of function.
Lynch syndrome 5 (LYNCH5). Also called: Hereditary non-polyposis colorectal cancer, type 5; Colorectal cancer, hereditary nonpolyposis, type 5. Identifiers: Orphanet 144, MedGen C1833477, MONDO:0013710, OMIM 614350. Disease mechanism: loss of function.
Malignant tumor of breast. Also called: Cancer breast; Malignant breast neoplasm. Identifiers: MedGen C0006142, MONDO:0007254. Disease mechanism: loss of function.

Allele frequency attached by ClinVar (database versions not stated): TOPMed 0.00010; gnomAD 0.00012 and 0.00011; gnomAD exomes 0.00012; ExAC 0.00015.

Submissions (18):

Genomics and Molecular Medicine Service, East Genomic Laboratory Hub, NHS Genomic Medicine Service
Classification: Uncertain significance for Inherited prostate cancer. Last evaluated: 2026-04-28. Review status: criteria provided, single submitter. Criteria: ACGS Best Practice Guidelines for Variant Classification in Rare Disease 2020. Collection method: clinical testing. Allele origin: germline. Affected: yes.
Comment: BP4

Labcorp Genetics (formerly Invitae), Labcorp
Classification: Likely benign for Hereditary nonpolyposis colorectal neoplasms. Last evaluated: 2026-01-30. Review status: criteria provided, single submitter. Criteria: Invitae Variant Classification Sherloc (09022015). Collection method: clinical testing. Allele origin: germline.

Center for Genomic Medicine, Rigshospitalet, Copenhagen University Hospital
Classification: Uncertain significance. Last evaluated: 2025-12-29. Review status: criteria provided, single submitter. Criteria: ACMG Guidelines, 2015. Collection method: clinical testing. Allele origin: germline.

Quest Diagnostics Nichols Institute San Juan Capistrano
Classification: Uncertain significance. Last evaluated: 2025-07-17. Review status: criteria provided, single submitter. Criteria: Quest Diagnostics criteria. Collection method: clinical testing. Allele origin: unknown.
Comment: The MSH6 c.3203G>A (p.Arg1068Gln) variant has been reported in the published literature in individuals with colorectal cancer (PMIDs: 29625052 (2018), 26845104 (2016), 27978560 (2016), 22495361 (2012), 38887977 (2024)), breast/ovarian cancer (PMIDs: 29625052 (2018), 26689913 (2015), 25503501 (2015), 23047549 (2012), 33471991 (2021), see also LOVD), pancreatic cancer (PMIDs: 32659497 (2020), 28767289 (2017)), thyroid cancer (PMID: 29625052 (2018)), lung cancer (PMID: 26689913 (2015)), medulloblastoma (PMID: 26580448 (2015)), and in reportedly unaffected individuals (PMID: 33471991 (2021), see also LOVD). The frequency of this variant in the general population (Genome Aggregation Database) is uninformative in the assessment of its pathogenicity. Analysis of this variant using bioinformatics tools for the prediction of the effect of amino acid changes on protein structure and function yielded predictions that this variant is benign. Based on the available information, we are unable to determine the clinical significance of this variant.

Myriad Genetics, Inc.
Classification: Benign for Lynch syndrome 5. Last evaluated: 2025-01-03. Review status: criteria provided, single submitter. Criteria: Myriad Autosomal Dominant, Autosomal Recessive and X-Linked Classification Criteria (2023). Collection method: clinical testing. Allele origin: unknown.
Comment: This variant is considered benign. This variant has been observed in conjunction with multiple pathogenic variants, reducing the likelihood this variant itself is pathogenic. This variant is strongly associated with less severe personal and family histories of cancer, typical for individuals without pathogenic variants in this gene [PMID: 27363726].

PreventionGenetics, part of Exact Sciences
Classification: Likely benign for MSH6-related condition. Last evaluated: 2024-12-02. Review status: criteria provided, single submitter. Criteria: ACMG Guidelines, 2015. Collection method: clinical testing. Allele origin: germline.
Comment: This variant is classified as likely benign based on ACMG/AMP sequence variant interpretation guidelines (Richards et al. 2015 PMID: 25741868, with internal and published modifications).

Molecular Pathology, Peter Maccallum Cancer Centre
Classification: Likely benign for Lynch syndrome 5. Last evaluated: 2024-09-04. Review status: criteria provided, single submitter. Criteria: ACMG Guidelines, 2015. Collection method: clinical testing. Allele origin: germline. Inheritance: Autosomal dominant inheritance.

Blueprint Genetics
Classification: Uncertain significance. Last evaluated: 2024-04-12. Review status: criteria provided, single submitter. Criteria: ACMG Guidelines, 2015. Collection method: clinical testing. Allele origin: germline.

CeGaT Center for Human Genetics Tuebingen
Classification: Likely benign. Last evaluated: 2023-12-01. Review status: criteria provided, single submitter. Criteria: CeGaT Center For Human Genetics Tuebingen Variant Classification Criteria Version 2. Collection method: clinical testing. Allele origin: germline. Affected: yes. Observed: 1 variant allele.
Comment: MSH6: BP4

Mayo Clinic Laboratories, Mayo Clinic
Classification: Uncertain significance. Last evaluated: 2022-11-04. Review status: criteria provided, single submitter. Criteria: ACMG Guidelines, 2015. Collection method: clinical testing. Allele origin: germline. Observed: 6 variant alleles.
Comment: the same text as in the submission from Genomics and Molecular Medicine Service, East Genomic Laboratory Hub, NHS Genomic Medicine Service above.

Sema4
Classification: Likely benign for Hereditary cancer-predisposing syndrome. Last evaluated: 2022-02-14. Review status: criteria provided, single submitter. Criteria: Sema4 Curation Guidelines. Collection method: curation. Allele origin: germline.

Color Diagnostics, LLC DBA Color Health
Classification: Likely benign for Hereditary cancer-predisposing syndrome. Last evaluated: 2022-01-02. Review status: criteria provided, single submitter. Criteria: ACMG Guidelines, 2015. Collection method: clinical testing. Allele origin: germline.

GeneDx
Classification: Likely benign. Last evaluated: 2020-11-06. Review status: criteria provided, single submitter. Criteria: GeneDx Variant Classification Process June 2021. Collection method: clinical testing. Allele origin: germline. Affected: yes.
Comment: This variant is associated with the following publications: (PMID: 26689913, 25503501, 23047549, 23104009, 27978560, 26845104, 22495361, 29625052)

St. Jude Molecular Pathology, St. Jude Children's Research Hospital
Classification: Uncertain significance for Lynch syndrome. Last evaluated: 2020-10-15. Review status: criteria provided, single submitter. Criteria: St. Jude Assertion Criteria 2020. Collection method: clinical testing. Allele origin: germline.
Comment: The MSH6 c.3203G>A (p.Arg1068Gln) missense change has a maximum subpopulation frequency of 0.028% in gnomAD v2.1.1. Five of seven in silico tools predict a benign effect of this variant on protein function (BP4), but these predictions have not been confirmed by functional studies. This variant has been reported in individuals with colorectal cancer and microsatellite stability or normal mismatch repair immunohistochemistry in the tumor (PMID: 26845104, 27978560). It has also been reported in individuals with sporadic pancreatic ductal adenocarcinoma (PMID: 32659497, 28767289), breast cancer (PMID: 25503501), epithelial ovarian cancer (PMID: 23047549), and pediatric medulloblastoma (PMID: 26580448). Data submitted to ClinVar indicates that this variant did not segregate with disease in a family study (ClinVar Accession: SCV000186214.6). In summary, this variant meets criteria to be classified as of uncertain significance based on the ACMG/AMP criteria: BP4.

Ambry Genetics
Classification: Likely benign for Hereditary cancer-predisposing syndrome. Last evaluated: 2018-08-28. Review status: criteria provided, single submitter. Criteria: Ambry Variant Classification Scheme 2023. Collection method: clinical testing. Allele origin: germline.

University of Washington Department of Laboratory Medicine, University of Washington
Classification: Uncertain significance for Hereditary nonpolyposis colon cancer. Last evaluated: 2015-11-20. Review status: criteria provided, single submitter. Criteria: Shirts et al. (Genet Med 2016). Collection method: clinical testing. Allele origin: germline. Affected: yes. Observed: 1 variant allele.

Eurofins Ntd Llc (ga)
Classification: Uncertain significance. Last evaluated: 2013-06-07. Review status: criteria provided, single submitter. Criteria: EGL Classification Definitions 2015. Collection method: clinical testing. Allele origin: germline. Observed: 1 variant allele, 1 heterozygote.

Department of Pathology and Laboratory Medicine, Sinai Health System
Classification: Likely benign for Malignant tumor of breast. Review status: no assertion criteria provided. Collection method: clinical testing. Allele origin: unknown. Affected: yes. Study: The Canadian Open Genetics Repository (COGR). Not counted in ClinVar's aggregate classification.
Comment: The MSH6 p.Arg1068Gln variant was identified in 3 of 3116 proband chromosomes (frequency: 0.00096) from individuals or families with colorectal cancer, HNPCC, or breast cancer (Hampel 2018, Maxwell 2015, Okkels 2012). The variant was also identified in dbSNP (ID: rs398123230) as "With Uncertain significance, other allele", in ClinVar and Clinvitae (classified as likely benign by Ambry Genetics, Invitae and GeneDx; classified as uncertain significance by EGL, University of Washington, Illumina, Quest Diagnostics and Prevention Genetics), and UMD-LSDB (found to be co-occurring with a pathogenic MSH6 variant: c.2764C>T, p.Arg922X in 2 cases). The variant was not identified in COSMIC, MutDB, Insight Colon Cancer Gene Variant Database, Mismatch Repair Genes Variant Database, or Insight Hereditary Tumors databases. The variant was identified in control databases in 31 of 277070 chromosomes at a frequency of 0.0001 (Genome Aggregation Database Feb 27, 2017). The variant was observed in the following populations: African in 7 of 24028 chromosomes (freq: 0.0003), Latino in 1 of 34386 chromosomes (freq: 0.00003), European Non-Finnish in 23 of 126620 chromosomes (freq: 0.0002); it was not observed in the Other, Ashkenazi Jewish, East Asian, Finnish, and South Asian populations. The p.Arg1068 residue is not conserved in mammals and computational analyses (PolyPhen-2, SIFT, AlignGVGD, BLOSUM, MutationTaster) do not suggest a high likelihood of impact to the protein. The variant occurs outside of the splicing consensus sequence and in silico or computational prediction software programs (SpliceSiteFinder, MaxEntScan, NNSPLICE, GeneSplicer, HumanSpliceFinder) do not predict a difference in splicing; however, this information is not predictive enough to rule out pathogenicity. In summary, based on the above information the clinical significance of this variant cannot be determined with certainty at this time although we would lean towards a more benign role for this variant. This variant is classified as likely benign.

Literature cited by the submitters: PubMed 25503501 (cited by Quest Diagnostics Nichols Institute San Juan Capistrano and Sema4); PubMed 23621914 (cited by Quest Diagnostics Nichols Institute San Juan Capistrano); PubMed 22949387 (cited by Quest Diagnostics Nichols Institute San Juan Capistrano); PubMed 28767289 (cited by Quest Diagnostics Nichols Institute San Juan Capistrano and Sema4); PubMed 35534704 (cited by Quest Diagnostics Nichols Institute San Juan Capistrano); PubMed 36451132 (cited by Quest Diagnostics Nichols Institute San Juan Capistrano); PubMed 36243179 (cited by Quest Diagnostics Nichols Institute San Juan Capistrano); PubMed 38887977 (cited by Quest Diagnostics Nichols Institute San Juan Capistrano); PubMed 39626160 (cited by Quest Diagnostics Nichols Institute San Juan Capistrano); PubMed 22495361 (cited by Quest Diagnostics Nichols Institute San Juan Capistrano and Ambry Genetics); PubMed 36793599 (cited by Quest Diagnostics Nichols Institute San Juan Capistrano); PubMed 32540221 (cited by Quest Diagnostics Nichols Institute San Juan Capistrano); PubMed 23047549 (cited by Quest Diagnostics Nichols Institute San Juan Capistrano and Sema4); PubMed 26580448 (cited by Quest Diagnostics Nichols Institute San Juan Capistrano and Sema4); PubMed 26845104 (cited by Quest Diagnostics Nichols Institute San Juan Capistrano); PubMed 37937776 (cited by Quest Diagnostics Nichols Institute San Juan Capistrano); PubMed 29625052 (cited by Quest Diagnostics Nichols Institute San Juan Capistrano and Sema4); PubMed 33471991 (cited by Quest Diagnostics Nichols Institute San Juan Capistrano and Sema4); PubMed 32659497 (cited by Quest Diagnostics Nichols Institute San Juan Capistrano and Sema4); PubMed 27978560 (cited by Quest Diagnostics Nichols Institute San Juan Capistrano and Sema4); PubMed 26689913 (cited by Quest Diagnostics Nichols Institute San Juan Capistrano and Sema4); PubMed 23104009 (cited by Quest Diagnostics Nichols Institute San Juan Capistrano); PubMed 27363726 (cited by Myriad Genetics, Inc.).